The following is an entry in ClinVar:

ClinVar aggregate classification (germline): Likely pathogenic. Review status: criteria provided, multiple submitters, no conflicts (2 of 4 stars). 2 submissions from 2 submitters: Likely pathogenic (2). Last evaluated 2024-10-01.

Submissions (2):

CeGaT Center for Human Genetics Tuebingen
Classification: Likely pathogenic. Last evaluated: 2024-10-01. Review status: criteria provided, single submitter. Criteria: CeGaT Center For Human Genetics Tuebingen Variant Classification Criteria Version 2. Collection method: clinical testing. Allele origin: germline. Affected: yes. Observed: 1 variant allele.
Comment: COL4A1: PM1:Strong, PM2, PM5:Supporting

GeneDx
Classification: Likely pathogenic. Last evaluated: 2016-06-08. Review status: criteria provided, single submitter. Criteria: GeneDx Variant Classification (06012015). Collection method: clinical testing. Allele origin: germline. Affected: yes.
Comment: The G761V variant in the COL4A1 gene has not been reported previously as a pathogenic variant, nor as a benign variant, to our knowledge. The G761V variant was not observed in approximately 6500 individuals of European and African American ancestry in the NHLBI Exome Sequencing Project, indicating it is not a common benign variant in these populations. The G761V variant is a conservative amino acid substitution, which is not likely to impact secondary protein structure as these residues share similar properties. This substitution occurs at a position similar properties. This substitution occurs at a position that is conserved across species, affecting the Glycine residue of the triple-helical region containing Gly-X-Y repeats. In silico analysis predicts this variant is probably damaging to the protein structure/function. The G761V variant is a strong candidate for a pathogenic variant, however the possibility it may be a rare benign variant cannot be excluded.

NM_001845.6(COL4A1):c.2282G>T (p.Gly761Val)

Gene: COL4A1 (collagen type IV alpha 1 chain; minus strand). Cytogenetic location: 13q34.
Variant type: single nucleotide variant.
Coding change: c.2282G>T on transcript NM_001845.6 (MANE Select); coding-DNA position 2282, G replaced by T.
Protein change: p.Gly761Val; replaces glycine 761 with valine.
Molecular consequence: missense variant.
Genome position (GRCh38, 1-based): chr13:110,179,333, C>A on the plus strand (G>T on the coding strand, the complement: COL4A1 is on the minus strand). VCF-style: chr13-110179333-C-A. GRCh37 (hg19) VCF-style: chr13-110831680-C-A.
Other names: short protein forms G761V.
Identifiers: ClinVar variation 421427 (VCV000421427.16), dbSNP rs1064795130, ClinGen allele CA16619613.
Genomic context (GRCh38, chr13:110,179,333, plus strand): 5'-CTGATCCCCTGAAGCCCAGGGGGTCCGATCGCTCCATGTTCTCCAGGAACGCCTGGTACC[C>A]CAATGCTCCCCTTCTCCCCGGGTGTGCCAGGAATGCCGGGAAGACCTGGCAAACCTTTGA-3'
Protein context (NP_001836.3, residues 751-771): PGTPGEKGSI[Gly761Val]VPGVPGEHGA